The following is an entry in ClinVar:

ClinVar aggregate classification (germline): Uncertain significance (1 of 4 stars; one submission).

Conditions:
Hyper-IgM syndrome type 1. Also called: Hyper-IgM Immunodeficiency Syndrome, Type 1; CD40 Ligand Deficiency; X-linked hyper-IgM syndrome; Immunodeficiency, X-linked, with hyper-IgM. Identifiers: Orphanet 101088, MedGen C0398689, MONDO:0010626, OMIM 308230.

Submission:

Labcorp Genetics (formerly Invitae), Labcorp
Classification: Uncertain significance for Hyper-IgM syndrome type 1. Last evaluated: 2025-08-17. Review status: criteria provided, single submitter. Criteria: Invitae Variant Classification Sherloc (09022015). Collection method: clinical testing. Allele origin: germline.
Comment: This sequence change replaces leucine, which is neutral and non-polar, with arginine, which is basic and polar, at codon 46 of the CD40LG protein (p.Leu46Arg). This variant is not present in population databases (gnomAD no frequency). This variant has not been reported in the literature in individuals affected with CD40LG-related conditions. ClinVar contains an entry for this variant (Variation ID: 2133348). Invitae Evidence Modeling of protein sequence and biophysical properties (such as structural, functional, and spatial information, amino acid conservation, physicochemical variation, residue mobility, and thermodynamic stability) indicates that this missense variant is expected to disrupt CD40LG protein function with a positive predictive value of 80%. In summary, the available evidence is currently insufficient to determine the role of this variant in disease. Therefore, it has been classified as a Variant of Uncertain Significance.

NM_000074.3(CD40LG):c.137T>G (p.Leu46Arg)

Gene: CD40LG (CD40 ligand; plus strand). Cytogenetic location: Xq26.3.
Variant type: single nucleotide variant.
Coding change: c.137T>G on transcript NM_000074.3 (MANE Select); coding-DNA position 137, T replaced by G.
Protein change: p.Leu46Arg; replaces leucine 46 with arginine.
Molecular consequence: missense variant.
Genome position (GRCh38, 1-based): chrX:136,648,385, T>G. VCF-style: chrX-136648385-T-G. GRCh37 (hg19) VCF-style: chrX-135730544-T-G.
Other names: short protein forms L46R.
Identifiers: ClinVar variation 2133348 (VCV002133348.4), dbSNP rs2522103903, ClinGen allele CA414752193.